The following is an entry in ClinVar:

NM_021102.4(SPINT2):c.639G>C (p.Leu213=)

Gene: SPINT2 (serine peptidase inhibitor, Kunitz type 2; plus strand). Cytogenetic location: 19q13.2.
Variant type: single nucleotide variant.
Coding change: c.639G>C on transcript NM_021102.4 (MANE Select); coding-DNA position 639, G replaced by C.
Protein change: p.Leu213=; no amino-acid change (leucine 213 retained).
Molecular consequence: synonymous variant.
Genome position (GRCh38, 1-based): chr19:38,291,886, G>C. VCF-style: chr19-38291886-G-C. GRCh37 (hg19) VCF-style: chr19-38782526-G-C.
Other names: c.639G>C (NM_021102.3); c.468G>C, p.Leu156= (NM_001166103.2).
Identifiers: ClinVar variation 1166364 (VCV001166364.12), dbSNP rs149527577, ClinGen allele CA9411582.

ClinVar aggregate classification (germline): Benign/Likely benign. Review status: criteria provided, multiple submitters, no conflicts (2 of 4 stars). 4 submissions from 4 submitters: Benign (2); Likely benign (1). 1 of the submissions does not count toward it. Last evaluated 2026-01-23.

Conditions:
SPINT2-related disorder. Also called: SPINT2-related condition.

Allele frequency attached by ClinVar (database versions not stated): gnomAD exomes 0.00014 and 0.00039; ExAC 0.00051; ESP Exome Variant Server 0.00138; gnomAD 0.00149 and 0.00162; 1000 Genomes Project 0.00160; TOPMed 0.00169; 1000 Genomes Project 30x 0.00203.
gnomAD v4.1: 431 of 1,613,754 alleles (0.027%); highest among the groups gnomAD compares: African/African-American, 0.5%; 3 homozygotes.

Submissions (4):

Labcorp Genetics (formerly Invitae), Labcorp
Classification: Benign. Last evaluated: 2026-01-23. Review status: criteria provided, single submitter. Criteria: Invitae Variant Classification Sherloc (09022015). Collection method: clinical testing. Allele origin: germline.

Blueprint Genetics
Classification: Likely benign. Last evaluated: 2024-03-09. Review status: criteria provided, single submitter. Criteria: ACMG Guidelines, 2015. Collection method: clinical testing. Allele origin: germline.

Breakthrough Genomics
Classification: Benign. Review status: criteria provided, single submitter. Criteria: ACMG Guidelines, 2015. Collection method: not provided. Allele origin: germline. Inheritance: Autosomal recessive inheritance. Affected: yes.

PreventionGenetics, part of Exact Sciences
Classification: Likely benign for SPINT2-related condition. Last evaluated: 2024-08-14. Review status: no assertion criteria provided. Collection method: clinical testing. Allele origin: germline. Not counted in ClinVar's aggregate classification.
Comment: This variant is classified as likely benign based on ACMG/AMP sequence variant interpretation guidelines (Richards et al. 2015 PMID: 25741868, with internal and published modifications).